The following is an entry in ClinVar:

ClinVar aggregate classification (germline): Likely pathogenic (1 of 4 stars; one submission).

Conditions:
PMM2-congenital disorder of glycosylation. Also called: JAEKEN SYNDROME; PHOSPHOMANNOMUTASE 2 DEFICIENCY; CARBOHYDRATE-DEFICIENT GLYCOPROTEIN SYNDROME, TYPE Ia; PMM2-CDG; Congenital disorder of glycosylation, type Ia; CDG Ia. Identifiers: Orphanet 79318, MedGen C0349653, MONDO:0008907, OMIM 212065.

Allele frequency attached by ClinVar (database versions not stated): gnomAD exomes below 0.00001.
gnomAD v4.1: 1 of 1,613,288 alleles (0.000062%); highest among the groups gnomAD compares: South Asian, 0.0011%; no homozygotes.

Submission:

Labcorp Genetics (formerly Invitae), Labcorp
Classification: Likely pathogenic for PMM2-congenital disorder of glycosylation. Last evaluated: 2024-05-29. Review status: criteria provided, single submitter. Criteria: Invitae Variant Classification Sherloc (09022015). Collection method: clinical testing. Allele origin: germline.
Comment: This sequence change replaces cysteine, which is neutral and slightly polar, with tryptophan, which is neutral and slightly polar, at codon 241 of the PMM2 protein (p.Cys241Trp). This variant is not present in population databases (gnomAD no frequency). This variant has not been reported in the literature in individuals affected with PMM2-related conditions. ClinVar contains an entry for this variant (Variation ID: 2010804). Advanced modeling of protein sequence and biophysical properties (such as structural, functional, and spatial information, amino acid conservation, physicochemical variation, residue mobility, and thermodynamic stability) performed at Invitae indicates that this missense variant is expected to disrupt PMM2 protein function with a positive predictive value of 95%. This variant disrupts the p.Cys241 amino acid residue in PMM2. Other variant(s) that disrupt this residue have been determined to be pathogenic (PMID: 11156536, 11715002, 15844218, 21541725, 22012410, 25355454, 26014514). This suggests that this residue is clinically significant, and that variants that disrupt this residue are likely to be disease-causing. In summary, the currently available evidence indicates that the variant is pathogenic, but additional data are needed to prove that conclusively. Therefore, this variant has been classified as Likely Pathogenic.

Literature cited by the submitters: PubMed 11156536; PubMed 11715002; PubMed 15844218; PubMed 21541725; PubMed 22012410; PubMed 25355454; PubMed 26014514.

NM_000303.3(PMM2):c.723T>G (p.Cys241Trp)

Gene: PMM2 (phosphomannomutase 2; plus strand). Cytogenetic location: 16p13.2.
Variant type: single nucleotide variant.
Coding change: c.723T>G on transcript NM_000303.3 (MANE Select); coding-DNA position 723, T replaced by G.
Protein change: p.Cys241Trp; replaces cysteine 241 with tryptophan.
Molecular consequence: missense variant.
Genome position (GRCh38, 1-based): chr16:8,847,807, T>G. VCF-style: chr16-8847807-T-G. GRCh37 (hg19) VCF-style: chr16-8941664-T-G.
Other names: short protein forms C241W.
Identifiers: ClinVar variation 2010804 (VCV002010804.4), dbSNP rs2549161486, ClinGen allele CA394689692.